The following is an entry in ClinVar:

NM_001849.4(COL6A2):c.503G>T (p.Ser168Ile)

Gene: COL6A2 (collagen type VI alpha 2 chain; plus strand). Cytogenetic location: 21q22.3.
Variant type: single nucleotide variant.
Coding change: c.503G>T on transcript NM_001849.4 (MANE Select); coding-DNA position 503, G replaced by T.
Protein change: p.Ser168Ile; replaces serine 168 with isoleucine.
Molecular consequence: missense variant.
Genome position (GRCh38, 1-based): chr21:46,112,366, G>T. VCF-style: chr21-46112366-G-T. GRCh37 (hg19) VCF-style: chr21-47532280-G-T.
Other names: c.503G>T, p.Ser168Ile (NM_058174.3, NM_058175.3); short protein forms S168I.
Identifiers: ClinVar variation 224688 (VCV000224688.12), dbSNP rs376564984, ClinGen allele CA10575984.
Genomic context (GRCh38, chr21:46,112,366, plus strand): 5'-ACCGCAGCAAGGGCACCGTCCACTTCGCCGTGGTCATCACCGACGGCCACGTCACCGGCA[G>T]CCCCTGCGGGGGCATCAAGCTGCAGGCCGAGCGGGCCCGCGAGGAGGGCATCCGGCTCTT-3'
Protein context (NP_001840.3, residues 158-178): VVITDGHVTG[Ser168Ile]PCGGIKLQAE

ClinVar aggregate classification (germline): Uncertain significance. Review status: criteria provided, multiple submitters, no conflicts (2 of 4 stars). 4 submissions from 4 submitters: Uncertain significance (4). Last evaluated 2024-11-18.

Conditions:
Bethlem myopathy 1A. Also called: Bethlem myopathy 1; Bethlem Muscular Dystrophy; MYOPATHY, BENIGN CONGENITAL, WITH CONTRACTURES. Identifiers: Orphanet 610, MedGen CN029274, MONDO:0024530, OMIM 158810.

Allele frequency attached by ClinVar (database versions not stated): gnomAD exomes below 0.00001 and 0.00007; gnomAD 0.00004; TOPMed 0.00004; ESP Exome Variant Server 0.00008.
gnomAD v4.1: 102 of 1,608,146 alleles (0.0063%); highest among the groups gnomAD compares: Non-Finnish European, 0.0084%; no homozygotes.

Submissions (4):

Labcorp Genetics (formerly Invitae), Labcorp
Classification: Uncertain significance for Bethlem myopathy 1A. Last evaluated: 2024-11-18. Review status: criteria provided, single submitter. Criteria: Invitae Variant Classification Sherloc (09022015). Collection method: clinical testing. Allele origin: germline.
Comment: This sequence change replaces serine, which is neutral and polar, with isoleucine, which is neutral and non-polar, at codon 168 of the COL6A2 protein (p.Ser168Ile). The frequency data for this variant in the population databases is considered unreliable, as metrics indicate poor data quality at this position in the gnomAD database. This missense change has been observed in individual(s) with Ullrich congenital muscular dystrophy (PMID: 27854218). ClinVar contains an entry for this variant (Variation ID: 224688). Invitae Evidence Modeling of protein sequence and biophysical properties (such as structural, functional, and spatial information, amino acid conservation, physicochemical variation, residue mobility, and thermodynamic stability) indicates that this missense variant is not expected to disrupt COL6A2 protein function with a negative predictive value of 80%. In summary, the available evidence is currently insufficient to determine the role of this variant in disease. Therefore, it has been classified as a Variant of Uncertain Significance.

Blueprint Genetics
Classification: Uncertain significance. Last evaluated: 2023-10-27. Review status: criteria provided, single submitter. Criteria: ACMG Guidelines, 2015. Collection method: clinical testing. Allele origin: germline.

Revvity Omics, Revvity
Classification: Uncertain significance. Last evaluated: 2021-01-28. Review status: criteria provided, single submitter. Criteria: ACMG Guidelines, 2015. Collection method: clinical testing. Allele origin: germline.

Center for Genetic Medicine Research, Children's National Medical Center
Classification: Uncertain significance. Last evaluated: 2015-12-01. Review status: criteria provided, single submitter. Criteria: Punetha et al. (J Neuromuscul Dis. 2016). Collection method: research. Allele origin: unknown.

Literature cited by the submitters: PubMed 27854218 (cited by Labcorp Genetics (formerly Invitae), Labcorp).